The following is an entry in ClinVar:

ClinVar aggregate classification (germline): Uncertain significance. Review status: criteria provided, multiple submitters, no conflicts (2 of 4 stars). 2 submissions from 2 submitters: Uncertain significance (2). Last evaluated 2024-10-16.

Conditions:
Inborn genetic diseases. Identifiers: MedGen C0950123, MeSH D030342.

Allele frequency attached by ClinVar (database versions not stated): ExAC 0.00001; gnomAD 0.00002 and 0.00003; gnomAD exomes 0.00002; TOPMed 0.00003; ESP Exome Variant Server 0.00015.
gnomAD v4.1: 32 of 1,613,550 alleles (0.002%); highest among the groups gnomAD compares: East Asian, 0.0045%; no homozygotes.

Submissions (2):

Ambry Genetics
Classification: Uncertain significance for Inborn genetic diseases. Last evaluated: 2024-10-16. Review status: criteria provided, single submitter. Criteria: Ambry Variant Classification Scheme 2023. Collection method: clinical testing. Allele origin: germline.

Labcorp Genetics (formerly Invitae), Labcorp
Classification: Uncertain significance. Last evaluated: 2021-07-26. Review status: criteria provided, single submitter. Criteria: Invitae Variant Classification Sherloc (09022015). Collection method: clinical testing. Allele origin: germline.
Comment: In summary, the available evidence is currently insufficient to determine the role of this variant in disease. Therefore, it has been classified as a Variant of Uncertain Significance. Algorithms developed to predict the effect of sequence changes on RNA splicing suggest that this variant may create or strengthen a splice site. Algorithms developed to predict the effect of missense changes on protein structure and function are either unavailable or do not agree on the potential impact of this missense change (SIFT: "Tolerated"; PolyPhen-2: "Probably Damaging"; Align-GVGD: "Class C0"). This variant has not been reported in the literature in individuals affected with HSPG2-related conditions. This variant is present in population databases (rs148383386, ExAC 0.002%). This sequence change replaces arginine with cysteine at codon 2961 of the HSPG2 protein (p.Arg2961Cys). The arginine residue is weakly conserved and there is a large physicochemical difference between arginine and cysteine.

NM_005529.7(HSPG2):c.8881C>T (p.Arg2961Cys)

Gene: HSPG2 (heparan sulfate proteoglycan 2; minus strand). Cytogenetic location: 1p36.12.
Variant type: single nucleotide variant.
Coding change: c.8881C>T on transcript NM_005529.7 (MANE Select); coding-DNA position 8881, C replaced by T.
Protein change: p.Arg2961Cys; replaces arginine 2961 with cysteine.
Molecular consequence: missense variant.
Genome position (GRCh38, 1-based): chr1:21,842,799, G>A on the plus strand (C>T on the coding strand, the complement: HSPG2 is on the minus strand). VCF-style: chr1-21842799-G-A. GRCh37 (hg19) VCF-style: chr1-22169292-G-A.
Other names: c.8884C>T, p.Arg2962Cys (NM_001291860.2); c.8881C>T (NM_005529.5); short protein forms R2962C, R2961C.
Identifiers: ClinVar variation 1473996 (VCV001473996.7), dbSNP rs148383386, ClinGen allele CA670633.
Genomic context (GRCh38, chr1:21,842,799, plus strand): 5'-CCTGGAATCCTCCCCATCCTGGCCCCTGTACCTGGTGCCGGGCGGGGAGGCTGCCCCCGC[G>A]CTTGTACCACGTGACCTGGGCATGGGCCTGCCCGGGCACCACACAGTTCAGATCCAGAGT-3'
Protein context (NP_005520.4, residues 2951-2971): QAHAQVTWYK[Arg2961Cys]GGSLPARHQT